The following is an entry in ClinVar:

NM_000136.3(FANCC):c.637G>A (p.Glu213Lys)

Genes: AOPEP (aminopeptidase O (putative); plus strand), FANCC (FA complementation group C; minus strand). Cytogenetic location: 9q22.32.
Variant type: single nucleotide variant.
Coding change: c.637G>A on transcript NM_000136.3 (MANE Select); coding-DNA position 637, G replaced by A.
Protein change: p.Glu213Lys; replaces glutamic acid 213 with lysine.
Molecular consequence: missense variant.
Genome position (GRCh38, 1-based): chr9:95,149,972, C>T on the plus strand (G>A on the coding strand, the complement: FANCC is on the minus strand). VCF-style: chr9-95149972-C-T. GRCh37 (hg19) VCF-style: chr9-97912254-C-T.
Other names: c.637G>A, p.Glu213Lys (NM_001243743.2, NM_001243744.2); short protein forms E213K.
Identifiers: ClinVar variation 1753167 (VCV001753167.2), dbSNP rs2541697720, ClinGen allele CA374109618.

ClinVar aggregate classification (germline): Uncertain significance (1 of 4 stars; one submission).

Conditions:
Hereditary cancer-predisposing syndrome. Also called: Neoplastic Syndromes, Hereditary; Tumor predisposition; Hereditary Cancer Syndrome; Hereditary neoplastic syndrome. Identifiers: Orphanet 140162, MedGen C0027672, MeSH D009386, MONDO:0015356.

Submission:

Ambry Genetics
Classification: Uncertain significance for Hereditary cancer-predisposing syndrome. Last evaluated: 2022-10-28. Review status: criteria provided, single submitter. Criteria: Ambry Variant Classification Scheme 2023. Collection method: clinical testing. Allele origin: germline.
Comment: The p.E213K variant (also known as c.637G>A), located in coding exon 6 of the FANCC gene, results from a G to A substitution at nucleotide position 637. The glutamic acid at codon 213 is replaced by lysine, an amino acid with similar properties. This amino acid position is conserved. In addition, the in silico prediction for this alteration is inconclusive. Since supporting evidence is limited at this time, the clinical significance of this alteration remains unclear.